The following is an entry in ClinVar:

ClinVar aggregate classification (germline): Likely benign. Review status: criteria provided, multiple submitters, no conflicts (2 of 4 stars). 3 submissions from 3 submitters: Likely benign (2). 1 of the submissions does not count toward it. Last evaluated 2024-09-06.

Conditions:
ABCC2-related disorder. Also called: ABCC2-related condition.

Allele frequency attached by ClinVar (database versions not stated): gnomAD 0.00006; gnomAD exomes 0.00006; TOPMed 0.00009; ESP Exome Variant Server 0.00015; ExAC 0.00019.

Submissions (3):

Blueprint Genetics
Classification: Likely benign. Last evaluated: 2024-09-06. Review status: criteria provided, single submitter. Criteria: ACMG Guidelines, 2015. Collection method: clinical testing. Allele origin: germline.

Labcorp Genetics (formerly Invitae), Labcorp
Classification: Likely benign. Last evaluated: 2023-12-05. Review status: criteria provided, single submitter. Criteria: Invitae Variant Classification Sherloc (09022015). Collection method: clinical testing. Allele origin: germline.

PreventionGenetics, part of Exact Sciences
Classification: Likely benign for ABCC2-related condition. Last evaluated: 2023-05-08. Review status: no assertion criteria provided. Collection method: clinical testing. Allele origin: germline. Not counted in ClinVar's aggregate classification.
Comment: This variant is classified as likely benign based on ACMG/AMP sequence variant interpretation guidelines (Richards et al. 2015 PMID: 25741868, with internal and published modifications).

NM_000392.5(ABCC2):c.2649T>C (p.Asp883=)

Genes: ABCC2 (ATP binding cassette subfamily C member 2; plus strand), LOC126861012 (BRD4-independent group 4 enhancer GRCh37_chr10:101589748-101590947; plus strand). Cytogenetic location: 10q24.2.
Variant type: single nucleotide variant.
Coding change: c.2649T>C on transcript NM_000392.5 (MANE Select); coding-DNA position 2649, T replaced by C.
Protein change: p.Asp883=; no amino-acid change (aspartic acid 883 retained).
Molecular consequence: synonymous variant.
Genome position (GRCh38, 1-based): chr10:99,830,335, T>C. VCF-style: chr10-99830335-T-C. GRCh37 (hg19) VCF-style: chr10-101590092-T-C.
Other names: c.2649T>C (NM_000392.4).
Identifiers: ClinVar variation 2893275 (VCV002893275.6), dbSNP rs370996036, ClinGen allele CA5643548.
Genomic context (GRCh38, chr10:99,830,335, plus strand): 5'-CTCTTTCCCTAACCTCTACTGTGTCTCCCTAGTCCATGATGGCAGTGAAGAAGAAGACGA[T>C]GACTATGGGCTGATATCCAGTGTGGAAGAGATCCCCGAAGATGCAGCCTCCATAACCATG-3'
Protein context (NP_000383.2, residues 873-893): TVHDGSEEED[Asp883=]DYGLISSVEE